The following is an entry in ClinVar:

NM_020975.6(RET):c.1685C>G (p.Thr562Ser)

Gene: RET (ret proto-oncogene; plus strand). Cytogenetic location: 10q11.21.
Variant type: single nucleotide variant.
Coding change: c.1685C>G on transcript NM_020975.6 (MANE Select); coding-DNA position 1685, C replaced by G.
Protein change: p.Thr562Ser; replaces threonine 562 with serine.
Molecular consequence: missense variant.
Genome position (GRCh38, 1-based): chr10:43,112,889, C>G. VCF-style: chr10-43112889-C-G. GRCh37 (hg19) VCF-style: chr10-43608337-C-G.
Other names: c.923C>G, p.Thr308Ser (NM_001355216.2); c.1685C>G, p.Thr562Ser (NM_001406743.1, NM_001406744.1, NM_001406759.1 and 4 more transcripts); c.1556C>G, p.Thr519Ser (NM_001406761.1, NM_001406762.1, NM_001406764.1 and 1 more transcripts); c.1397C>G, p.Thr466Ser (NM_001406766.1, NM_001406767.1, NM_001406770.1); c.1289C>G, p.Thr430Ser (NM_001406769.1, NM_001406772.1); c.1247C>G, p.Thr416Ser (NM_001406771.1, NM_001406773.1); c.1160C>G, p.Thr387Ser (NM_001406774.1); c.959C>G, p.Thr320Ser (NM_001406775.1, NM_001406776.1, NM_001406777.1 and 1 more transcripts); and 5 more; short protein forms T167S, T220S, T232S, T263S, T308S, T320S, T387S, T416S.
Identifiers: ClinVar variation 4810130 (VCV004810130.1).

ClinVar aggregate classification (germline): Uncertain significance (1 of 4 stars; one submission).

Conditions:
Multiple endocrine neoplasia, type 2 (MEN2). Identifiers: Orphanet 653, MedGen C4048306, MONDO:0019003. Disease mechanism: gain of function.

Submission:

Labcorp Genetics (formerly Invitae), Labcorp
Classification: Uncertain significance for Multiple endocrine neoplasia, type 2. Last evaluated: 2025-09-20. Review status: criteria provided, single submitter. Criteria: Invitae Variant Classification Sherloc (09022015). Collection method: clinical testing. Allele origin: germline.
Comment: This sequence change replaces threonine, which is neutral and polar, with serine, which is neutral and polar, at codon 562 of the RET protein (p.Thr562Ser). This variant is not present in population databases (gnomAD no frequency). This variant has not been reported in the literature in individuals affected with RET-related conditions. An algorithm developed to predict the effect of missense changes on protein structure and function (PolyPhen-2) suggests that this variant is likely to be tolerated. In summary, the available evidence is currently insufficient to determine the role of this variant in disease. Therefore, it has been classified as a Variant of Uncertain Significance.